The following is an entry in ClinVar:

NM_170665.4(ATP2A2):c.1A>T (p.Met1Leu)

Gene: ATP2A2 (ATPase sarcoplasmic/endoplasmic reticulum Ca2+ transporting 2; plus strand). Cytogenetic location: 12q24.11.
Variant type: single nucleotide variant.
Coding change: c.1A>T on transcript NM_170665.4 (MANE Select); coding-DNA position 1, A replaced by T.
Protein change: p.Met1Leu; changes the start codon (methionine 1).
Molecular consequence: missense variant, initiator codon variant.
Genome position (GRCh38, 1-based): chr12:110,281,790, A>T. VCF-style: chr12-110281790-A-T. GRCh37 (hg19) VCF-style: chr12-110719595-A-T.
Other names: c.1A>T, p.Met1Leu (NM_001681.4); short protein forms M1L.
Identifiers: ClinVar variation 280505 (VCV000280505.4), dbSNP rs886041697, ClinGen allele CA10603173.

ClinVar aggregate classification (germline): Pathogenic. Review status: criteria provided, multiple submitters, no conflicts (2 of 4 stars). 2 submissions from 2 submitters: Pathogenic (2). Last evaluated 2021-04-30.

Conditions:
ATP2A2-related disorder. Also called: ATP2A2-Related Disorders; ATP2A2-related condition.

Submissions (2):

Blueprint Genetics
Classification: Pathogenic for ATP2A2-related disorders. Last evaluated: 2021-04-30. Review status: criteria provided, single submitter. Criteria: ACMG Guidelines, 2015. Collection method: clinical testing. Allele origin: germline. Affected: yes. Observed: 1 variant allele.

GeneDx
Classification: Pathogenic. Last evaluated: 2016-04-21. Review status: criteria provided, single submitter. Criteria: GeneDx Variant Classification (06012015). Collection method: clinical testing. Allele origin: germline. Affected: yes.
Comment: The c.1 A>T pathogenic variant in the ATP2A2 gene alters the initiator Methionine codon, and the resultant protein would be described as p.Met1? using a question mark to signify that it is not known if the loss of Met1 means that all protein translation is completely prevented or if an abnormal protein is produced using an alternate Met. In addition, the c.1 A>T variant was not observed in approximately 6,500 individuals of European and African American ancestry in the NHLBI Exome Sequencing Project."